The following is an entry in ClinVar:

ClinVar aggregate classification (germline): Uncertain significance (1 of 4 stars; one submission).

Conditions:
KIF1A-related disorder. Also called: KIF1A-related disorders; KIF1A-related condition.

gnomAD v4.1: 1 of 1,550,512 alleles (0.000064%); highest among the groups gnomAD compares: Non-Finnish European, 0.000087%; no homozygotes.

Submission:

PreventionGenetics, part of Exact Sciences
Classification: Uncertain significance for KIF1A-related condition. Last evaluated: 2025-10-08. Review status: criteria provided, single submitter. Criteria: ACMG Guidelines, 2015. Collection method: clinical testing. Allele origin: germline.
Comment: The KIF1A c.2840T>A variant is predicted to result in the amino acid substitution p.Leu947Gln. Of note, this variant is located in an intronic region in the main transcript (NM_004321.7:c.2555+1023T>A). To our knowledge, this variant has not been reported in the literature or in a large population database (gnomAD), indicating this variant is rare. At this time, the clinical significance of this variant is uncertain due to the absence of conclusive functional and genetic evidence.

NM_001244008.2(KIF1A):c.2840T>A (p.Leu947Gln)

Gene: KIF1A (kinesin family member 1A; minus strand). Cytogenetic location: 2q37.3.
Variant type: single nucleotide variant.
Coding change: c.2840T>A on transcript NM_001244008.2 (MANE Select); coding-DNA position 2840, T replaced by A.
Protein change: p.Leu947Gln; replaces leucine 947 with glutamine.
Molecular consequence: missense variant. On other transcripts: intron variant (18).
Genome position (GRCh38, 1-based): chr2:240,757,337, A>T on the plus strand (T>A on the coding strand, the complement: KIF1A is on the minus strand). VCF-style: chr2-240757337-A-T. GRCh37 (hg19) VCF-style: chr2-241696754-A-T.
Other names: c.2915T>A, p.Leu972Gln (NM_001379631.1); c.2789T>A, p.Leu930Gln (NM_001379632.1); c.2813T>A, p.Leu938Gln (NM_001379633.1, NM_001379642.1, NM_001379645.1); c.2555+1023T>A (NM_001379653.1, NM_001379650.1, NM_001379640.1 and 6 more transcripts); c.2657+1023T>A (NM_001379635.1, NM_001330290.2, NM_001379646.1 and 1 more transcripts); c.2630+1023T>A (NM_001379637.1, NM_001379648.1); c.2582+1023T>A (NM_001320705.2, NM_001379638.1, NM_001330289.2); short protein forms L947Q, L930Q, L938Q, L972Q.
Identifiers: ClinVar variation 4993374 (VCV004993374.1).
Genomic context (GRCh38, chr2:240,757,337, plus strand): 5'-GAGCTGGGTCCTCCCCAGCATGCTCTCCTCGACCTCACCAACCTTCCTACTAAACTGAAC[A>T]GGGGGGGCCGGTCGTAAAACGGGTCCCGGCCGTCGCACAGCGCGTGCTCCGGAAAGACGT-3'
Protein context (NP_001230937.1, residues 937-957): GRDPFYDRPP[Leu947Gln]FSLVGRAFVY